The following is an entry in ClinVar:

ClinVar aggregate classification (germline): Conflicting classifications of pathogenicity. Review status: criteria provided, conflicting classifications (1 of 4 stars). 9 submissions from 9 submitters: Uncertain significance (1); Benign (1); Likely benign (7). Last evaluated 2026-08-01.

Conditions:
Inborn genetic diseases. Identifiers: MedGen C0950123, MeSH D030342.
Progressive sclerosing poliodystrophy (MTDPS4A). Also called: Mitochondrial DNA Depletion Syndrome 4A; Alpers-Huttenlocher Syndrome (AHS); ALPERS PROGRESSIVE INFANTILE POLIODYSTROPHY; NEURONAL DEGENERATION OF CHILDHOOD WITH LIVER DISEASE, PROGRESSIVE; Alpers Syndrome; ALPERS DIFFUSE DEGENERATION OF CEREBRAL GRAY MATTER WITH HEPATIC CIRRHOSIS. Identifiers: Orphanet 726, MedGen C0205710, MONDO:0008758, OMIM 203700.

Allele frequency attached by ClinVar (database versions not stated): TOPMed 0.00007; ExAC 0.00008; gnomAD exomes 0.00008 and 0.00009; gnomAD 0.00009; 1000 Genomes Project 30x 0.00016; 1000 Genomes Project 0.00020; ESP Exome Variant Server 0.00023.

Submissions (9):

CeGaT Center for Human Genetics Tuebingen
Classification: Likely benign. Last evaluated: 2026-08-01. Review status: criteria provided, single submitter. Criteria: CeGaT Center For Human Genetics Tuebingen Variant Classification Criteria Version 2. Collection method: clinical testing. Allele origin: germline. Affected: yes. Observed: 3 variant alleles.
Comment: POLG: BP4, BP7

Labcorp Genetics (formerly Invitae), Labcorp
Classification: Likely benign for Progressive sclerosing poliodystrophy. Last evaluated: 2026-01-20. Review status: criteria provided, single submitter. Criteria: Invitae Variant Classification Sherloc (09022015). Collection method: clinical testing. Allele origin: germline.

Mayo Clinic Laboratories, Mayo Clinic
Classification: Likely benign. Last evaluated: 2025-03-31. Review status: criteria provided, single submitter. Criteria: ACMG Guidelines, 2015. Collection method: clinical testing. Allele origin: germline. Observed: 3 variant alleles.
Comment: BP4, BP7

Blueprint Genetics
Classification: Likely benign. Last evaluated: 2024-11-18. Review status: criteria provided, single submitter. Criteria: ACMG Guidelines, 2015. Collection method: clinical testing. Allele origin: germline.

Wong Mito Lab, Molecular and Human Genetics, Baylor College of Medicine
Classification: Likely benign for Progressive sclerosing poliodystrophy. Last evaluated: 2018-10-01. Review status: criteria provided, single submitter. Criteria: ACMG Guidelines, 2015. Collection method: clinical testing. Allele origin: germline.
Comment: The NM_002693.2:c.2220C>T (NP_002684.1:p.Asn740=) [GRCH38: NC_000015.10:g.89323449G>A] variant in POLG gene is interpretated to be a Likely Benign based on ACMG guidelines (PMID: 25741868). This variant meets the following evidence codes reported in the ACMG-guideline. BS1:The minor allele frequency of this allele is high for Mitochondrial DNA depletion syndrome 4A (Alpers type). BP4:Computational evidence/predictors indicate no impact on the POLG structure, function, or protein-protein interaction. BP7:The variant is silent with non predicted splice impact. Based on the evidence criteria codes applied, the variant is suggested to be Likely Benign.

Eurofins Ntd Llc (ga)
Classification: Uncertain significance. Last evaluated: 2018-03-06. Review status: criteria provided, single submitter. Criteria: EGL ClinVar v180209 classification definitions. Collection method: clinical testing. Allele origin: germline. Observed: 2 variant alleles, 2 heterozygotes.

Ambry Genetics
Classification: Likely benign for Inborn genetic diseases. Last evaluated: 2016-11-22. Review status: criteria provided, single submitter. Criteria: Ambry Variant Classification Scheme 2023. Collection method: clinical testing. Allele origin: germline.

GeneDx
Classification: Benign. Last evaluated: 2015-06-05. Review status: criteria provided, single submitter. Criteria: GeneDx Variant Classification (06012015). Collection method: clinical testing. Allele origin: germline. Affected: yes.
Comment: This variant is considered likely benign or benign based on one or more of the following criteria: it is a conservative change, it occurs at a poorly conserved position in the protein, it is predicted to be benign by multiple in silico algorithms, and/or has population frequency not consistent with disease.

PreventionGenetics, part of Exact Sciences
Classification: Likely benign. Review status: criteria provided, single submitter. Criteria: ACMG Guidelines, 2015. Collection method: clinical testing. Allele origin: germline.

NM_002693.3(POLG):c.2220C>T (p.Asn740=)

Gene: POLG (DNA polymerase gamma, catalytic subunit; minus strand). Cytogenetic location: 15q26.1.
Variant type: single nucleotide variant.
Coding change: c.2220C>T on transcript NM_002693.3 (MANE Select); coding-DNA position 2220, C replaced by T.
Protein change: p.Asn740=; no amino-acid change (asparagine 740 retained).
Molecular consequence: synonymous variant.
Genome position (GRCh38, 1-based): chr15:89,323,449, G>A on the plus strand (C>T on the coding strand, the complement: POLG is on the minus strand). VCF-style: chr15-89323449-G-A. GRCh37 (hg19) VCF-style: chr15-89866680-G-A.
Other names: p.Asn740=; c.2220C>T, p.Asn740= (NM_001126131.2).
Identifiers: ClinVar variation 258790 (VCV000258790.36), dbSNP rs141538857, ClinGen allele CA7724541.